The following is an entry in ClinVar:

ClinVar aggregate classification (germline): Conflicting classifications of pathogenicity. Review status: criteria provided, conflicting classifications (1 of 4 stars). 4 submissions from 3 submitters: Uncertain significance (3); Likely benign (1). Last evaluated 2023-01-01.

Conditions:
Noonan syndrome 4 (NS4). Also called: NOONAN SYNDROME WITH PIGMENTED VILLONODULAR SYNOVITIS; SOS1-Related Noonan Syndrome. Identifiers: Orphanet 648, MedGen C1853120, MONDO:0012547, OMIM 610733.
Fibromatosis, gingival, 1 (GINGF1). Identifiers: Orphanet 2024, MedGen C4551558, MONDO:0007609, OMIM 135300.

Allele frequency attached by ClinVar (database versions not stated): gnomAD below 0.00001 and 0.00004; TOPMed below 0.00001; 1000 Genomes Project 0.00020; 1000 Genomes Project 30x 0.00062.
gnomAD v4.1: 6 of 152,238 alleles (0.0039%); highest among the groups gnomAD compares: South Asian, 0.12%; no homozygotes.

Submissions (4):

CeGaT Center for Human Genetics Tuebingen
Classification: Likely benign. Last evaluated: 2023-01-01. Review status: criteria provided, single submitter. Criteria: CeGaT Center For Human Genetics Tuebingen Variant Classification Criteria Version 2. Collection method: clinical testing. Allele origin: germline. Affected: yes. Observed: 1 variant allele.
Comment: SOS1: BS1

Fulgent Genetics
Classification: Uncertain significance for Fibromatosis, gingival, 1; Noonan syndrome 4. Last evaluated: 2021-09-14. Review status: criteria provided, single submitter. Criteria: ACMG Guidelines, 2015. Collection method: clinical testing. Allele origin: unknown.

Illumina Laboratory Services, Illumina
Classification: Uncertain significance for Noonan syndrome 4. Last evaluated: 2018-01-12. Review status: criteria provided, single submitter. Criteria: ICSL Variant Classification Criteria 13 December 2019. Collection method: clinical testing. Allele origin: germline.

Illumina Laboratory Services, Illumina
Classification: Uncertain significance for Fibromatosis, gingival, 1. Last evaluated: 2018-01-12. Review status: criteria provided, single submitter. Criteria: ICSL Variant Classification Criteria 13 December 2019. Collection method: clinical testing. Allele origin: germline.

NM_005633.4(SOS1):c.*3149C>T

Gene: SOS1 (SOS Ras/Rac guanine nucleotide exchange factor 1; minus strand). Cytogenetic location: 2p22.1.
Variant type: single nucleotide variant.
Coding change: c.*3149C>T on transcript NM_005633.4 (MANE Select); 3149 bases downstream of the stop codon, C replaced by T.
Molecular consequence: 3 prime UTR variant.
Genome position (GRCh38, 1-based): chr2:38,982,675, G>A on the plus strand (C>T on the coding strand, the complement: SOS1 is on the minus strand). VCF-style: chr2-38982675-G-A. GRCh37 (hg19) VCF-style: chr2-39209816-G-A.
Other names: c.*3149C>T (NM_001382394.1, NM_001382395.1).
Identifiers: ClinVar variation 896998 (VCV000896998.29), dbSNP rs541644361, ClinGen allele CA45670951.
Genomic context (GRCh38, chr2:38,982,675, plus strand): 5'-CTTTCTAAATCTGAAGGAACAAAAAGGTTTTCTTCAATATGTACAACACTAATAAATTGG[G>A]ACACTCCTCCTATTTTGCTGAGTCACTTAAAAATCTGAATTTAAGCTGTCATATTAGAAG-3'